The following is an entry in ClinVar:

ClinVar aggregate classification (germline): Uncertain significance (1 of 4 stars; one submission).

Submission:

GeneDx
Classification: Uncertain significance. Last evaluated: 2022-09-22. Review status: criteria provided, single submitter. Criteria: GeneDx Variant Classification Process June 2021. Collection method: clinical testing. Allele origin: germline. Affected: yes.
Comment: Not observed at significant frequency in large population cohorts (gnomAD); In silico analysis supports that this missense variant has a deleterious effect on protein structure/function; Has not been previously published as pathogenic or benign to our knowledge

NM_021956.5(GRIK2):c.470G>T (p.Ser157Ile)

Gene: GRIK2 (glutamate ionotropic receptor kainate type subunit 2; plus strand). Cytogenetic location: 6q16.3.
Variant type: single nucleotide variant.
Coding change: c.470G>T on transcript NM_021956.5 (MANE Select); coding-DNA position 470, G replaced by T.
Protein change: p.Ser157Ile; replaces serine 157 with isoleucine.
Molecular consequence: missense variant.
Genome position (GRCh38, 1-based): chr6:101,626,566, G>T. VCF-style: chr6-101626566-G-T. GRCh37 (hg19) VCF-style: chr6-102074441-G-T.
Other names: c.470G>T, p.Ser157Ile (NM_001166247.1, NM_175768.3); short protein forms S157I.
Identifiers: ClinVar variation 2446080 (VCV002446080.1), dbSNP rs2483042181, ClinGen allele CA365307882.